The following is an entry in ClinVar:

NM_002203.4(ITGA2):c.1789C>T (p.Arg597Cys)

Gene: ITGA2 (integrin subunit alpha 2; plus strand). Cytogenetic location: 5q11.2.
Variant type: single nucleotide variant.
Coding change: c.1789C>T on transcript NM_002203.4 (MANE Select); coding-DNA position 1789, C replaced by T.
Protein change: p.Arg597Cys; replaces arginine 597 with cysteine.
Molecular consequence: missense variant. On other transcripts: non-coding transcript variant (5).
Genome position (GRCh38, 1-based): chr5:53,065,098, C>T. VCF-style: chr5-53065098-C-T. GRCh37 (hg19) VCF-style: chr5-52360928-C-T.
Other names: short protein forms R597C.
Identifiers: ClinVar variation 353757 (VCV000353757.5), dbSNP rs146370217, ClinGen allele CA3262983.

ClinVar aggregate classification (germline): Likely benign (1 of 4 stars; one submission).

Conditions:
Platelet-type bleeding disorder 9 (BDPLT9). Also called: GLYCOPROTEIN Ia DEFICIENCY; GP Ia DEFICIENCY; COLLAGEN PLATELET RECEPTOR DEFICIENCY. Identifiers: Orphanet 73271, Orphanet 98886, MedGen C3280114, MONDO:0013622, OMIM 614200.

Allele frequency attached by ClinVar (database versions not stated): ExAC 0.00007; gnomAD exomes 0.00008; gnomAD 0.00010 and 0.00011; TOPMed 0.00018; ESP Exome Variant Server 0.00023.
gnomAD v4.1: 137 of 1,612,370 alleles (0.0085%); highest among the groups gnomAD compares: Admixed American, 0.023%; no homozygotes.

Submission:

Illumina Laboratory Services, Illumina
Classification: Likely benign for Platelet-type bleeding disorder 9. Last evaluated: 2018-01-13. Review status: criteria provided, single submitter. Criteria: ICSL Variant Classification Criteria 13 December 2019. Collection method: clinical testing. Allele origin: germline.
Comment: This variant was observed in the ICSL laboratory as part of a predisposition screen in an ostensibly healthy population. It had not been previously curated by ICSL or reported in the Human Gene Mutation Database (HGMD: prior to June 1st, 2018), and was therefore a candidate for classification through an automated scoring system. Utilizing variant allele frequency, disease prevalence and penetrance estimates, and inheritance mode, an automated score was calculated to assess if this variant is too frequent to cause the disease. Based on the score and internal cut-off values, a variant classified as likely benign is not then subjected to further curation. The score for this variant resulted in a classification of likely benign for this disease.